The following is an entry in ClinVar:

ClinVar aggregate classification (germline): Benign. Review status: criteria provided, multiple submitters, no conflicts (2 of 4 stars). 3 submissions from 3 submitters: Benign (2). 1 of the submissions does not count toward it. Last evaluated 2026-01-28.

Conditions:
PKD1L1-related disorder. Also called: PKD1L1-related condition.

Allele frequency attached by ClinVar (database versions not stated): gnomAD exomes 0.00079 and 0.00214; ExAC 0.00287; gnomAD 0.00774 and 0.00833; 1000 Genomes Project 0.00859; ESP Exome Variant Server 0.00915; TOPMed 0.00915; 1000 Genomes Project 30x 0.00953.
gnomAD v4.1: 2,381 of 1,612,642 alleles (0.15%); highest among the groups gnomAD compares: African/African-American, 2.8%; 32 homozygotes.

Submissions (3):

Labcorp Genetics (formerly Invitae), Labcorp
Classification: Benign. Last evaluated: 2026-01-28. Review status: criteria provided, single submitter. Criteria: Invitae Variant Classification Sherloc (09022015). Collection method: clinical testing. Allele origin: germline.

Breakthrough Genomics
Classification: Benign. Review status: criteria provided, single submitter. Criteria: ACMG Guidelines, 2015. Collection method: not provided. Allele origin: germline. Inheritance: Autosomal recessive inheritance. Affected: yes.

PreventionGenetics, part of Exact Sciences
Classification: Benign for PKD1L1-related condition. Last evaluated: 2023-07-13. Review status: no assertion criteria provided. Collection method: clinical testing. Allele origin: germline. Not counted in ClinVar's aggregate classification.
Comment: This variant is classified as benign based on ACMG/AMP sequence variant interpretation guidelines (Richards et al. 2015 PMID: 25741868, with internal and published modifications).

NM_138295.5(PKD1L1):c.1402+7C>T

Gene: PKD1L1 (polycystin 1 like 1, transient receptor potential channel interacting; minus strand). Cytogenetic location: 7p12.3.
Variant type: single nucleotide variant.
Coding change: c.1402+7C>T on transcript NM_138295.5 (MANE Select); 7 bases into the intron after coding-DNA position 1402, C replaced by T.
Molecular consequence: intron variant.
Genome position (GRCh38, 1-based): chr7:47,908,070, G>A on the plus strand (C>T on the coding strand, the complement: PKD1L1 is on the minus strand). VCF-style: chr7-47908070-G-A. GRCh37 (hg19) VCF-style: chr7-47947667-G-A.
Identifiers: ClinVar variation 720308 (VCV000720308.12), dbSNP rs114306336, ClinGen allele CA4254067.